The following is an entry in ClinVar:

NM_000191.3(HMGCL):c.193_194del (p.Glu65fs)

Gene: HMGCL (3-hydroxy-3-methylglutaryl-CoA lyase; minus strand). Cytogenetic location: 1p36.11.
Variant type: Deletion.
Coding change: c.193_194del on transcript NM_000191.3 (MANE Select); coding-DNA positions 193 to 194, 2 bases deleted (GA; older notation c.193_194delGA).
Protein change: p.Glu65fs; shifts the reading frame from glutamic acid 65.
Molecular consequence: frameshift variant.
Genome position (GRCh38, 1-based): chr1:23,817,534-23,817,535, TC deleted on the plus strand (GA on the coding strand, the reverse complement: HMGCL is on the minus strand). VCF-style (leftmost placement, unchanged base first): chr1-23817533-TTC-T. GRCh37 (hg19) VCF-style: chr1-24144023-TTC-T.
Other names: c.193_194del, p.Glu65fs (NM_001166059.2); short protein forms E65fs.
Identifiers: ClinVar variation 5015146 (VCV005015146.1).
Genomic context (GRCh38, chr1:23,817,533, plus strand): 5'-CACCTGGGGAACCCACTTAGGAGACACAAAGCTGGTGGTTTCTATAACAGAGAGTCCTGC[TTC>T]AGAAAGCATGTCTATCAGCTTGATTTTCACTGGAGTAGATACGATATTCTATAGTGGAGA-3'

ClinVar aggregate classification (germline): Pathogenic (1 of 4 stars; one submission).

Conditions:
Deficiency of hydroxymethylglutaryl-CoA lyase (HMGCLD). Also called: Defect in leucine metabolism; 3-hydroxy-3-methylglutaric aciduria; HMG-CoA LYASE DEFICIENCY; HMGCL DEFICIENCY; HYDROXYMETHYLGLUTARIC ACIDURIA. Identifiers: Orphanet 20, MedGen C1533587, MONDO:0009520, OMIM 246450.

Submission:

Myriad Genetics, Inc.
Classification: Pathogenic for Deficiency of hydroxymethylglutaryl-CoA lyase. Last evaluated: 2025-10-28. Review status: criteria provided, single submitter. Criteria: Myriad Autosomal Dominant, Autosomal Recessive and X-Linked Classification Criteria (2023). Collection method: clinical testing. Allele origin: unknown.
Comment: NM_000191.2(HMGCL):c.193_194delGA(E65Sfs*15) is expected to be pathogenic in the context of HMG-CoA lyase deficiency. This variant is predicted to lead to an abnormal or absent protein product due to the creation of a premature termination codon in HMGCL, a gene where loss-of-function variants are known to be pathogenic. Please note: this variant was assessed in the context of healthy population screening.